The following is an entry in ClinVar:

NM_005188.4(CBL):c.765C>G (p.Leu255=)

Gene: CBL (Cbl proto-oncogene; plus strand). Cytogenetic location: 11q23.3.
Variant type: single nucleotide variant.
Coding change: c.765C>G on transcript NM_005188.4 (MANE Select); coding-DNA position 765, C replaced by G.
Protein change: p.Leu255=; no amino-acid change (leucine 255 retained).
Molecular consequence: synonymous variant.
Genome position (GRCh38, 1-based): chr11:119,274,849, C>G. VCF-style: chr11-119274849-C-G. GRCh37 (hg19) VCF-style: chr11-119145559-C-G.
Other names: c.765C>G (NM_005188.2).
Identifiers: ClinVar variation 2838307 (VCV002838307.4), dbSNP rs1470796335, ClinGen allele CA477130558.

ClinVar aggregate classification (germline): Conflicting classifications of pathogenicity. Review status: criteria provided, conflicting classifications (1 of 4 stars). 2 submissions from 2 submitters: Uncertain significance (1); Likely benign (1). Last evaluated 2026-04-23.

Conditions:
RASopathy. Also called: rasopathies; Noonan spectrum disorder. Identifiers: Orphanet 536391, MedGen C5555857, MONDO:0021060.
Cardiovascular phenotype. Identifiers: MedGen CN230736.

Allele frequency attached by ClinVar (database versions not stated): gnomAD 0.00001.
gnomAD v4.1: 1 of 1,612,614 alleles (0.000062%); highest among the groups gnomAD compares: Non-Finnish European, 0.000085%; no homozygotes.

Submissions (2):

Ambry Genetics
Classification: Likely benign for Cardiovascular phenotype. Last evaluated: 2026-04-23. Review status: criteria provided, single submitter. Criteria: Ambry Variant Classification Scheme 2023. Collection method: clinical testing. Allele origin: germline.

Labcorp Genetics (formerly Invitae), Labcorp
Classification: Uncertain significance for RASopathy. Last evaluated: 2023-03-30. Review status: criteria provided, single submitter. Criteria: Invitae Variant Classification Sherloc (09022015). Collection method: clinical testing. Allele origin: germline.
Comment: Algorithms developed to predict the effect of sequence changes on RNA splicing suggest that this variant may disrupt the consensus splice site. In summary, the available evidence is currently insufficient to determine the role of this variant in disease. Therefore, it has been classified as a Variant of Uncertain Significance. This variant has not been reported in the literature in individuals affected with CBL-related conditions. This variant is present in population databases (no rsID available, gnomAD 0.007%). This sequence change affects codon 255 of the CBL mRNA. It is a 'silent' change, meaning that it does not change the encoded amino acid sequence of the CBL protein.